The following is an entry in ClinVar:

ClinVar aggregate classification (germline): Likely pathogenic (1 of 4 stars; one submission).

Submission:

Labcorp Genetics (formerly Invitae), Labcorp
Classification: Likely pathogenic. Last evaluated: 2023-07-13. Review status: criteria provided, single submitter. Criteria: Invitae Variant Classification Sherloc (09022015). Collection method: clinical testing. Allele origin: unknown.
Comment: This variant results in a copy number gain of the genomic region encompassing part of exons 8 and 12 and all of exons 9-11 (c.1644_2543dup) of the LRP6 gene. While the exact position of this variant cannot be determined from the data, sub-genic copy number gains are generally in tandem (PMID: 25640679). This variant is predicted to be in-frame, and likely preserves the integrity of the reading frame. A similar copy number variant has been observed in individual(s) with tooth agenesis (Invitae). It has also been observed to segregate with disease in related individuals. A similar copy number gain has been confirmed to occur in-tandem in at least one individual (Invitae). This increases the likelihood that that this copy number gain also occurs in tandem and disrupts protein function. In summary, the currently available evidence indicates that the variant is pathogenic, but additional data are needed to prove that conclusively. Therefore, this variant has been classified as Likely Pathogenic.

Literature cited by the submitters: PubMed 25640679.

NC_000012.11:g.(?_12312011)_(12318131_?)dup

Gene: LRP6 (LDL receptor related protein 6; minus strand). Cytogenetic location: 12p13.2.
Variant type: Duplication.
Identifiers: ClinVar variation 3244381 (VCV003244381.1).